The following is an entry in ClinVar:

ClinVar aggregate classification (germline): Uncertain significance (1 of 4 stars; one submission).

gnomAD v4.1: 45 of 1,614,026 alleles (0.0028%); highest among the groups gnomAD compares: Non-Finnish European, 0.0037%; no homozygotes.

Submission:

Labcorp Genetics (formerly Invitae), Labcorp
Classification: Uncertain significance. Last evaluated: 2024-05-06. Review status: criteria provided, single submitter. Criteria: Invitae Variant Classification Sherloc (09022015). Collection method: clinical testing. Allele origin: germline.
Comment: This sequence change replaces alanine, which is neutral and non-polar, with threonine, which is neutral and polar, at codon 3664 of the HMCN1 protein (p.Ala3664Thr). This variant is present in population databases (rs765004410, gnomAD 0.003%). This variant has not been reported in the literature in individuals affected with HMCN1-related conditions. An algorithm developed to predict the effect of missense changes on protein structure and function (PolyPhen-2) suggests that this variant is likely to be tolerated. In summary, the available evidence is currently insufficient to determine the role of this variant in disease. Therefore, it has been classified as a Variant of Uncertain Significance.

NM_031935.3(HMCN1):c.10990G>A (p.Ala3664Thr)

Gene: HMCN1 (hemicentin 1; plus strand). Cytogenetic location: 1q31.1.
Variant type: single nucleotide variant.
Coding change: c.10990G>A on transcript NM_031935.3 (MANE Select); coding-DNA position 10990, G replaced by A.
Protein change: p.Ala3664Thr; replaces alanine 3664 with threonine.
Molecular consequence: missense variant.
Genome position (GRCh38, 1-based): chr1:186,112,812, G>A. VCF-style: chr1-186112812-G-A. GRCh37 (hg19) VCF-style: chr1-186081944-G-A.
Other names: short protein forms A3664T.
Identifiers: ClinVar variation 3613002 (VCV003613002.2).